The following is an entry in ClinVar:

NM_000152.5(GAA):c.1559A>G (p.Asn520Ser)

Gene: GAA (alpha glucosidase; plus strand). Cytogenetic location: 17q25.3.
Variant type: single nucleotide variant.
Coding change: c.1559A>G on transcript NM_000152.5 (MANE Select); coding-DNA position 1559, A replaced by G.
Protein change: p.Asn520Ser; replaces asparagine 520 with serine.
Molecular consequence: missense variant.
Genome position (GRCh38, 1-based): chr17:80,110,948, A>G. VCF-style: chr17-80110948-A-G. GRCh37 (hg19) VCF-style: chr17-78084747-A-G.
Other names: c.1559A>G, p.Asn520Ser (NM_001079803.3, NM_001079804.3); short protein forms N520S.
Identifiers: ClinVar variation 849167 (VCV000849167.11), dbSNP rs1555600852, ClinGen allele CA401367197.
Genomic context (GRCh38, chr17:80,110,948, plus strand): 5'-CCCACCCTCCTCACTCTGGGCAGAGTCACCTACCAGCAGCGCTTCTCTTGCAGGACATGA[A>G]CGAGCCTTCCAACTTCATCAGGGGCTCTGAGGACGGCTGCCCCAACAATGAGCTGGAGAA-3'
Protein context (NP_000143.2, residues 510-530): VPFDGMWIDM[Asn520Ser]EPSNFIRGSE

ClinVar aggregate classification (germline): Uncertain significance. Review status: criteria provided, multiple submitters, no conflicts (2 of 4 stars). 2 submissions from 2 submitters: Uncertain significance (2). Last evaluated 2026-07-01.

Conditions:
Glycogen storage disease, type II (IOPD). Also called: Glycogen storage disease type 2; Acid maltase deficiency disease; Aglucosidase alfa; Deficiency of alpha-glucosidase; Deficiency of lysosomal alpha-glucosidase; POMPE DISEASE, INFANTILE-ONSET. Identifiers: Orphanet 365, MedGen C0017921, MONDO:0009290, OMIM 232300.

Submissions (2):

Genomenon, Inc
Classification: Uncertain significance for Glycogen storage disease, type II. Last evaluated: 2026-07-01. Review status: criteria provided, single submitter. Criteria: Genomenon Sequence Variant Interpretation Standards - Updated. Collection method: curation. Allele origin: germline. Affected: no.
Comment: GAA p.Asn520Ser (c.1559A>G) is a missense variant that changes the amino acid at codon 520 from Asparagine to Serine. This variant has been reported in the published literature (PMID:31342611;40225932;33560568). It is absent or not present at a significant frequency in gnomAD. In silico models predict that this variant is possibly or probably damaging. In conclusion, we classify GAA p.Asn520Ser (c.1559A>G) as a variant of uncertain significance.

Labcorp Genetics (formerly Invitae), Labcorp
Classification: Uncertain significance for Glycogen storage disease, type II. Last evaluated: 2019-03-23. Review status: criteria provided, single submitter. Criteria: Invitae Variant Classification Sherloc (09022015). Collection method: clinical testing. Allele origin: germline.
Comment: In summary, the available evidence is currently insufficient to determine the role of this variant in disease. Therefore, it has been classified as a Variant of Uncertain Significance. Algorithms developed to predict the effect of missense changes on protein structure and function (SIFT, PolyPhen-2, Align-GVGD) all suggest that this variant is likely to be disruptive, but these predictions have not been confirmed by published functional studies and their clinical significance is uncertain. This variant has not been reported in the literature in individuals with GAA-related conditions. This variant is not present in population databases (ExAC no frequency). This sequence change replaces asparagine with serine at codon 520 of the GAA protein (p.Asn520Ser). The asparagine residue is highly conserved and there is a small physicochemical difference between asparagine and serine.

Literature cited by the submitters: PubMed 31342611 (cited by Genomenon, Inc); PubMed 40225932 (cited by Genomenon, Inc); PubMed 33560568 (cited by Genomenon, Inc).